The following is an entry in ClinVar:

ClinVar aggregate classification (germline): Uncertain significance (1 of 4 stars; one submission).

Conditions:
Cardiovascular phenotype. Identifiers: MedGen CN230736.

Submission:

Ambry Genetics
Classification: Uncertain significance for Cardiovascular phenotype. Last evaluated: 2025-09-04. Review status: criteria provided, single submitter. Criteria: Ambry Variant Classification Scheme 2023. Collection method: clinical testing. Allele origin: germline.
Comment: The p.A1636V variant (also known as c.4907C>T), located in coding exon 28 of the FLNC gene, results from a C to T substitution at nucleotide position 4907. The alanine at codon 1636 is replaced by valine, an amino acid with similar properties. This amino acid position is conserved. In addition, this alteration is predicted to be deleterious by in silico analysis. Based on the available evidence, the clinical significance of this variant remains unclear.

NM_001458.5(FLNC):c.4907C>T (p.Ala1636Val)

Gene: FLNC (filamin C; plus strand). Cytogenetic location: 7q32.1.
Variant type: single nucleotide variant.
Coding change: c.4907C>T on transcript NM_001458.5 (MANE Select); coding-DNA position 4907, C replaced by T.
Protein change: p.Ala1636Val; replaces alanine 1636 with valine.
Molecular consequence: missense variant.
Genome position (GRCh38, 1-based): chr7:128,848,962, C>T. VCF-style: chr7-128848962-C-T. GRCh37 (hg19) VCF-style: chr7-128489016-C-T.
Other names: c.4907C>T, p.Ala1636Val (NM_001127487.2); short protein forms A1636V.
Identifiers: ClinVar variation 4258295 (VCV004258295.1).